The following is an entry in ClinVar:

NM_000341.4(SLC3A1):c.470T>C (p.Ile157Thr)

Gene: SLC3A1 (solute carrier family 3 member 1; plus strand). Cytogenetic location: 2p21.
Variant type: single nucleotide variant.
Coding change: c.470T>C on transcript NM_000341.4 (MANE Select); coding-DNA position 470, T replaced by C.
Protein change: p.Ile157Thr; replaces isoleucine 157 with threonine.
Molecular consequence: missense variant.
Genome position (GRCh38, 1-based): chr2:44,280,755, T>C. VCF-style: chr2-44280755-T-C. GRCh37 (hg19) VCF-style: chr2-44507894-T-C.
Other names: c.470T>C (NM_000341.3); short protein forms I157T.
Identifiers: ClinVar variation 3586621 (VCV003586621.2).
Genomic context (GRCh38, chr2:44,280,755, plus strand): 5'-GACTTTGACTTTTTTCTTCAGGTATTCAAGATAAACTGGACTACATCACAGCTTTAAATA[T>C]AAAAACTGTTTGGATTACTTCATTTTATAAATCGTCCCTTAAAGATTTCAGATATGGTGT-3'
Protein context (NP_000332.2, residues 147-167): DKLDYITALN[Ile157Thr]KTVWITSFYK

ClinVar aggregate classification (germline): Uncertain significance. Review status: criteria provided, multiple submitters, no conflicts (2 of 4 stars). 2 submissions from 2 submitters: Uncertain significance (2). Last evaluated 2024-12-08.

Conditions:
Cystinuria (CSNU). Also called: CYSTINURIA, TYPE I; CYSTINURIA, TYPE II; CYSTINURIA, TYPE III; Cystinuria, non-type I. Identifiers: Orphanet 214, MedGen C0010691, MONDO:0009067, OMIM 220100, HP:0003131.
SLC3A1-related disorder. Also called: SLC3A1-related condition.

gnomAD v4.1: 97 of 1,611,928 alleles (0.006%); highest among the groups gnomAD compares: East Asian, 0.14%; no homozygotes.

Submissions (2):

PreventionGenetics, part of Exact Sciences
Classification: Uncertain significance for SLC3A1-related condition. Last evaluated: 2024-12-08. Review status: criteria provided, single submitter. Criteria: ACMG Guidelines, 2015. Collection method: clinical testing. Allele origin: germline.
Comment: The SLC3A1 c.470T>C variant is predicted to result in the amino acid substitution p.Ile157Thr. To our knowledge, this variant has not been reported in the literature. This variant is reported in 0.20% of alleles in individuals of East Asian descent in gnomAD. Although we suspect that this variant may be benign, at this time, the clinical significance of this variant is uncertain due to the absence of conclusive functional and genetic evidence.

Fulgent Genetics
Classification: Uncertain significance for Cystinuria. Last evaluated: 2024-02-07. Review status: criteria provided, single submitter. Criteria: ACMG Guidelines, 2015. Collection method: clinical testing. Allele origin: germline.